The following is an entry in ClinVar:

NM_024857.5(ATAD5):c.4013-21TG[10]

Gene: ATAD5 (ATPase family AAA domain containing 5; plus strand). Cytogenetic location: 17q11.2.
Variant type: Microsatellite.
Coding change: c.4013-21TG[10] on transcript NM_024857.5 (MANE Select); ten copies in a row of the 2-base unit TG starting at c.4013-21.
Molecular consequence: intron variant.
Genome position: GRCh38 VCF-style: chr17-30879401-T-TTG. GRCh37 (hg19) VCF-style: chr17-29206419-T-TTG.
Identifiers: ClinVar variation 3035686 (VCV003035686.2), dbSNP rs529546366, ClinGen allele CA8484200.
Genomic context (GRCh38, chr17:30,879,401, plus strand): 5'-TAGAAAAGTATAACTTGAAAAAGTTATTTATTGGTCTTAGTGTTTAAGAATTTTTTTTTT[T>TTG]TGTGTGTGTGTGTGTGTGTAGACCCAACATTTAGTTTAATGTTTGATGGCTGCTTTGAAG-3'

ClinVar aggregate classification (germline): Likely benign (0 of 4 stars; one submission).

Conditions:
ATAD5-related disorder. Also called: ATAD5-related condition.

Submission:

PreventionGenetics, part of Exact Sciences
Classification: Likely benign for ATAD5-related condition. Last evaluated: 2019-03-18. Review status: no assertion criteria provided. Collection method: clinical testing. Allele origin: germline.
Comment: This variant is classified as likely benign based on ACMG/AMP sequence variant interpretation guidelines (Richards et al. 2015 PMID: 25741868, with internal and published modifications).